The following is an entry in ClinVar:

NM_004168.4(SDHA):c.654G>T (p.Glu218Asp)

Gene: SDHA (succinate dehydrogenase complex flavoprotein subunit A; plus strand). Cytogenetic location: 5p15.33.
Variant type: single nucleotide variant.
Coding change: c.654G>T on transcript NM_004168.4 (MANE Select); coding-DNA position 654, G replaced by T.
Protein change: p.Glu218Asp; replaces glutamic acid 218 with aspartic acid.
Molecular consequence: missense variant.
Genome position (GRCh38, 1-based): chr5:228,217, G>T. VCF-style: chr5-228217-G-T. GRCh37 (hg19) VCF-style: chr5-228332-G-T.
Other names: c.510G>T, p.Glu170Asp (NM_001294332.2); c.654G>T, p.Glu218Asp (NM_001330758.2); short protein forms E170D, E218D.
Identifiers: ClinVar variation 1715875 (VCV001715875.6), dbSNP rs2126558332, ClinGen allele CA359010865.

ClinVar aggregate classification (germline): Uncertain significance (1 of 4 stars; one submission).

Conditions:
Mitochondrial complex II deficiency, nuclear type 1. Also called: SUCCINATE CoQ REDUCTASE DEFICIENCY. Identifiers: Orphanet 3208, MedGen C5700310, MONDO:0100294, OMIM 252011.
Pheochromocytoma/paraganglioma syndrome 5. Also called: Paragangliomas 5; SDHA-Related Hereditary Paraganglioma-Pheochromocytoma Syndrome. Identifiers: Orphanet 29072, MedGen C3279992, MONDO:0013602, OMIM 614165.

Submission:

Labcorp Genetics (formerly Invitae), Labcorp
Classification: Uncertain significance for Pheochromocytoma/paraganglioma syndrome 5; Mitochondrial complex II deficiency, nuclear type 1. Last evaluated: 2022-08-09. Review status: criteria provided, single submitter. Criteria: Invitae Variant Classification Sherloc (09022015). Collection method: clinical testing. Allele origin: germline.
Comment: This sequence change replaces glutamic acid, which is acidic and polar, with aspartic acid, which is acidic and polar, at codon 218 of the SDHA protein (p.Glu218Asp). In summary, the available evidence is currently insufficient to determine the role of this variant in disease. Therefore, it has been classified as a Variant of Uncertain Significance. Algorithms developed to predict the effect of missense changes on protein structure and function are either unavailable or do not agree on the potential impact of this missense change (SIFT: "Tolerated"; PolyPhen-2: "Probably Damaging"; Align-GVGD: "Class C0"). This variant has not been reported in the literature in individuals affected with SDHA-related conditions. This variant is not present in population databases (gnomAD no frequency).